The following is an entry in ClinVar:

ClinVar aggregate classification (germline): Pathogenic. Review status: criteria provided, multiple submitters, no conflicts (2 of 4 stars). 3 submissions from 3 submitters: Pathogenic (3). Last evaluated 2024-04-08.

Conditions:
Congenital secretory diarrhea, chloride type (DIAR1). Also called: DIARRHEA 1, SECRETORY CHLORIDE, CONGENITAL; CHLORIDORRHEA, CONGENITAL; CHLORIDE DIARRHEA, CONGENITAL, FINNISH TYPE. Identifiers: Orphanet 53689, MedGen C0267662, MONDO:0008964, OMIM 214700.

Submissions (3):

Fulgent Genetics
Classification: Pathogenic for Congenital secretory diarrhea, chloride type. Last evaluated: 2024-04-08. Review status: criteria provided, single submitter. Criteria: ACMG Guidelines, 2015. Collection method: clinical testing. Allele origin: germline.

Women's Health and Genetics/Laboratory Corporation of America, LabCorp
Classification: Pathogenic for Congenital secretory diarrhea, chloride type. Last evaluated: 2024-04-08. Review status: criteria provided, single submitter. Criteria: LabCorp Variant Classification Summary - May 2015. Collection method: clinical testing. Allele origin: germline.
Comment: Variant summary: SLC26A3 c.735+4_735+7delAGTA alters a conserved nucleotide located close to a canonical splice site and therefore could affect mRNA splicing, leading to a significantly altered protein sequence. Several computational tools predict a significant impact on normal splicing: Four predict the variant abolishes a 5' splicing donor site. One predict the variant creates a 5' donor site. At least one publication reports experimental evidence that this variant affects mRNA splicing resulting in exon 6 skipping (Amato_2017). The variant allele was found at a frequency of 8e-06 in 250516 control chromosomes. c.735+4_735+7delAGTA has been reported in the literature in individuals affected with Congenital secretory diarrhea, chloride type (Amato_2017). These data indicate that the variant is likely to be associated with disease. The following publication have been ascertained in the context of this evaluation (PMID: 28644346). No submitters have cited clinical-significance assessments for this variant to ClinVar. Based on the evidence outlined above, the variant was classified as pathogenic.

Labcorp Genetics (formerly Invitae), Labcorp
Classification: Pathogenic. Last evaluated: 2023-11-16. Review status: criteria provided, single submitter. Criteria: Invitae Variant Classification Sherloc (09022015). Collection method: clinical testing. Allele origin: germline.
Comment: This sequence change falls in intron 6 of the SLC26A3 gene. It does not directly change the encoded amino acid sequence of the SLC26A3 protein. RNA analysis indicates that this variant induces altered splicing and likely results in a shortened protein product. This variant is present in population databases (rs768656789, gnomAD 0.002%). This variant has been observed in individual(s) with congenital secretory chloride diarrhea (PMID: 28644346; Invitae). Variants that disrupt the consensus splice site are a relatively common cause of aberrant splicing (PMID: 17576681, 9536098). Studies have shown that this variant results in skipping of exon 6, but is expected to preserve the integrity of the reading-frame (PMID: 28644346). For these reasons, this variant has been classified as Pathogenic.

Literature cited by the submitters: PubMed 28644346 (cited by Women's Health and Genetics/Laboratory Corporation of America, LabCorp and Labcorp Genetics (formerly Invitae), Labcorp); PubMed 17576681 (cited by Labcorp Genetics (formerly Invitae), Labcorp); PubMed 9536098 (cited by Labcorp Genetics (formerly Invitae), Labcorp).

NM_000111.3(SLC26A3):c.735+4_735+7del

Gene: SLC26A3 (solute carrier family 26 member 3; minus strand). Cytogenetic location: 7q22.3.
Variant type: Microsatellite.
Coding change: c.735+4_735+7del on transcript NM_000111.3 (MANE Select); bases 4 to 7 of the intron after coding-DNA position 735, 4 bases deleted (AGTA; older notation c.735+4_735+7delAGTA).
Molecular consequence: splice donor variant.
Genome position (GRCh38, 1-based): chr7:107,789,517-107,789,520, TACT deleted on the plus strand (AGTA on the coding strand, the reverse complement: SLC26A3 is on the minus strand); deleting any 4 consecutive bases within chr7:107,789,517-107,789,525 gives the same sequence; the c. name uses the placement nearest the transcript's 3' end. VCF-style (leftmost placement, unchanged base first): chr7-107789516-ATACT-A. GRCh37 (hg19) VCF-style: chr7-107429961-ATACT-A.
Other names: c.735+4_735+7delAGTA (NM_000111.3).
Identifiers: ClinVar variation 2735075 (VCV002735075.5), dbSNP rs768656789, ClinGen allele CA4434055.